The following is an entry in ClinVar:

ClinVar aggregate classification (germline): Uncertain significance (1 of 4 stars; one submission).

gnomAD v4.1: 1 of 1,594,456 alleles (0.000063%); highest among the groups gnomAD compares: Non-Finnish European, 0.000085%; no homozygotes.

Submission:

GeneDx
Classification: Uncertain significance. Last evaluated: 2026-02-26. Review status: criteria provided, single submitter. Criteria: GeneDx Variant Classification Process June 2021. Collection method: clinical testing. Allele origin: germline.
Comment: Not observed at significant frequency in large population cohorts (gnomAD); In silico analysis supports that this missense variant has a deleterious effect on protein structure/function; Has not been previously published as pathogenic or benign to our knowledge

NM_015021.3(ZNF292):c.109C>T (p.Arg37Trp)

Genes: ZNF292 (zinc finger protein 292; plus strand), LOC129996783 (ATAC-STARR-seq lymphoblastoid active region 24794; plus strand). Cytogenetic location: 6q14.3.
Variant type: single nucleotide variant.
Coding change: c.109C>T on transcript NM_015021.3 (MANE Select); coding-DNA position 109, C replaced by T.
Protein change: p.Arg37Trp; replaces arginine 37 with tryptophan.
Molecular consequence: missense variant. On other transcripts: 5 prime UTR variant (1).
Genome position (GRCh38, 1-based): chr6:87,155,700, C>T. VCF-style: chr6-87155700-C-T. GRCh37 (hg19) VCF-style: chr6-87865418-C-T.
Other names: c.-457C>T (NM_001351444.2); short protein forms R37W.
Identifiers: ClinVar variation 5008144 (VCV005008144.1).